The following is an entry in ClinVar:

NM_014112.5(TRPS1):c.1695_1705del (p.Gln565fs)

Gene: TRPS1 (transcriptional repressor GATA binding 1; minus strand). Cytogenetic location: 8q23.3.
Variant type: Deletion.
Coding change: c.1695_1705del on transcript NM_014112.5 (MANE Select); coding-DNA positions 1695 to 1705, 11 bases deleted (GCTCCATAACA).
Protein change: p.Gln565fs; shifts the reading frame from glutamine 565.
Molecular consequence: frameshift variant.
Genome position (GRCh38, 1-based): chr8:115,604,264-115,604,274, TGTTATGGAGC deleted on the plus strand (GCTCCATAACA on the coding strand, the reverse complement: TRPS1 is on the minus strand); deleting any 11 consecutive bases within chr8:115,604,264-115,604,278 gives the same sequence; the c. name uses the placement nearest the transcript's 3' end. VCF-style (leftmost placement, unchanged base first): chr8-115604263-ATGTTATGGAGC-A. GRCh37 (hg19) VCF-style: chr8-116616490-ATGTTATGGAGC-A.
Other names: c.1668_1678del, p.Gln556fs (NM_001282902.3); c.1674_1684del, p.Gln558fs (NM_001282903.3); c.1656_1666del, p.Gln552fs (NM_001330599.2); short protein forms Q556fs, Q552fs, Q565fs, Q558fs.
Identifiers: ClinVar variation 574745 (VCV000574745.6), dbSNP rs1563637033, ClinGen allele CA891843319.

ClinVar aggregate classification (germline): Pathogenic (1 of 4 stars; one submission).

Conditions:
Trichorhinophalangeal dysplasia type I (TRPS1). Also called: TRICHORHINOPHALANGEAL SYNDROME, TYPE I; TRPS I. Identifiers: Orphanet 77258, MedGen C0432233, MONDO:0008596, OMIM 190350.
Trichorhinophalangeal syndrome, type III (TRPS3). Also called: SUGIO-KAJII SYNDROME. Identifiers: Orphanet 77258, MedGen C1860823, OMIM 190351, MONDO:0008597.

Submission:

Labcorp Genetics (formerly Invitae), Labcorp
Classification: Pathogenic for Trichorhinophalangeal syndrome, type III; Trichorhinophalangeal dysplasia type I. Last evaluated: 2018-04-29. Review status: criteria provided, single submitter. Criteria: Invitae Variant Classification Sherloc (09022015). Collection method: clinical testing. Allele origin: germline.
Comment: This sequence change creates a premature translational stop signal (p.Gln565Hisfs*7) in the TRPS1 gene. It is expected to result in an absent or disrupted protein product. For these reasons, this variant has been classified as Pathogenic. Loss-of-function variants in TRPS1 are known to be pathogenic (PMID: 11112658). This variant has not been reported in the literature in individuals with TRPS1-related disease. This variant is not present in population databases (ExAC no frequency).

Literature cited by the submitters: PubMed 11112658.